The following is an entry in ClinVar:

NM_001370259.2(MEN1):c.1526G>A (p.Gly509Asp)

Gene: MEN1 (menin 1; minus strand). Cytogenetic location: 11q13.1.
Variant type: single nucleotide variant.
Coding change: c.1526G>A on transcript NM_001370259.2 (MANE Select); coding-DNA position 1526, G replaced by A.
Protein change: p.Gly509Asp; replaces glycine 509 with aspartic acid.
Molecular consequence: missense variant.
Genome position (GRCh38, 1-based): chr11:64,804,641, C>T on the plus strand (G>A on the coding strand, the complement: MEN1 is on the minus strand). VCF-style: chr11-64804641-C-T. GRCh37 (hg19) VCF-style: chr11-64572113-C-T.
Other names: c.1541G>A, p.Gly514Asp (NM_000244.4, NM_130800.3, NM_130801.3 and 3 more transcripts); c.1652G>A, p.Gly551Asp (NM_001370251.2); c.1526G>A, p.Gly509Asp (NM_001370260.2, NM_001370261.2, NM_130799.3); c.1421G>A, p.Gly474Asp (NM_001370262.2, NM_001370263.2); c.1526G>A (NM_130799.2); short protein forms G514D, G474D, G509D, G551D.
Identifiers: ClinVar variation 1039170 (VCV001039170.9), dbSNP rs769355346, ClinGen allele CA060734.
Genomic context (GRCh38, chr11:64,804,641, plus strand): 5'-GGGCCTCGGGCTGTGCCAGCGACAGTCCCAGGAGGCTTCCGGGGGGGTCCTGACACTGCA[C>T]CCTGGCCGGTGCCCAGGCCCTTGTCCAGTGCTGGCTTCTTGGGCGGCGGGGGCTCCTCTG-3'
Protein context (NP_001357188.2, residues 499-519): ALDKGLGTGQ[Gly509Asp]AVSGPPRKPP

ClinVar aggregate classification (germline): Uncertain significance. Review status: criteria provided, multiple submitters, no conflicts (2 of 4 stars). 2 submissions from 2 submitters: Uncertain significance (2). Last evaluated 2023-10-27.

Conditions:
Multiple endocrine neoplasia, type 1 (MEN1). Also called: MEA I; MEN I; WERMER SYNDROME; Endocrine adenomatosis multiple; MEN 1. Identifiers: Orphanet 652, MedGen C0025267, MeSH D018761, MONDO:0007540, OMIM 131100.
Hereditary cancer-predisposing syndrome. Also called: Neoplastic Syndromes, Hereditary; Hereditary Cancer Syndrome; Tumor predisposition; Hereditary neoplastic syndrome. Identifiers: Orphanet 140162, MedGen C0027672, MeSH D009386, MONDO:0015356.

Allele frequency attached by ClinVar (database versions not stated): gnomAD exomes below 0.00001; ExAC 0.00001.

Submissions (2):

Ambry Genetics
Classification: Uncertain significance for Hereditary cancer-predisposing syndrome. Last evaluated: 2023-10-27. Review status: criteria provided, single submitter. Criteria: Ambry Variant Classification Scheme 2023. Collection method: clinical testing. Allele origin: germline.
Comment: The p.G509D variant (also known as c.1526G>A), located in coding exon 9 of the MEN1 gene, results from a G to A substitution at nucleotide position 1526. The glycine at codon 509 is replaced by aspartic acid, an amino acid with similar properties. This amino acid position is conserved. In addition, this alteration is predicted to be tolerated by in silico analysis. Since supporting evidence is limited at this time, the clinical significance of this alteration remains unclear.

Labcorp Genetics (formerly Invitae), Labcorp
Classification: Uncertain significance for Multiple endocrine neoplasia, type 1. Last evaluated: 2020-03-08. Review status: criteria provided, single submitter. Criteria: Invitae Variant Classification Sherloc (09022015). Collection method: clinical testing. Allele origin: germline.
Comment: This sequence change replaces glycine with aspartic acid at codon 509 of the MEN1 protein (p.Gly509Asp). The glycine residue is moderately conserved and there is a moderate physicochemical difference between glycine and aspartic acid. This variant is present in population databases (rs769355346, ExAC 0.002%). This variant has not been reported in the literature in individuals with MEN1-related conditions. Algorithms developed to predict the effect of missense changes on protein structure and function are either unavailable or do not agree on the potential impact of this missense change (SIFT: "Deleterious"; PolyPhen-2: "Benign"; Align-GVGD: "Class C0"). In summary, the available evidence is currently insufficient to determine the role of this variant in disease. Therefore, it has been classified as a Variant of Uncertain Significance.